The following is an entry in ClinVar:

NM_006305.4(ANP32A):c.55-1G>C

Gene: ANP32A (acidic nuclear phosphoprotein 32 family member A; minus strand). Cytogenetic location: 15q23.
Variant type: single nucleotide variant.
Coding change: c.55-1G>C on transcript NM_006305.4 (MANE Select); the canonical splice acceptor site of the intron before coding-DNA position 55, G replaced by C.
Molecular consequence: splice acceptor variant.
Genome position (GRCh38, 1-based): chr15:68,787,920, C>G on the plus strand (G>C on the coding strand, the complement: ANP32A is on the minus strand). VCF-style: chr15-68787920-C-G. GRCh37 (hg19) VCF-style: chr15-69080259-C-G.
Identifiers: ClinVar variation 1676505 (VCV001676505.3), dbSNP rs2140361158, ClinGen allele CA393216043.

ClinVar aggregate classification (germline): Uncertain significance (1 of 4 stars; one submission).

Submission:

Greenwood Genetic Center Diagnostic Laboratories, Greenwood Genetic Center
Classification: Uncertain significance. Last evaluated: 2022-01-10. Review status: criteria provided, single submitter. Criteria: ACMG Guidelines, 2015. Collection method: clinical testing. Allele origin: germline. Affected: yes.
Comment: Gene of Uncertain Significance